The following is an entry in ClinVar:

ClinVar aggregate classification (germline): Uncertain significance (1 of 4 stars; one submission).

Conditions:
Hereditary cancer-predisposing syndrome. Also called: Neoplastic Syndromes, Hereditary; Tumor predisposition; Hereditary Cancer Syndrome; Hereditary neoplastic syndrome. Identifiers: Orphanet 140162, MedGen C0027672, MeSH D009386, MONDO:0015356.

Submission:

Ambry Genetics
Classification: Uncertain significance for Hereditary cancer-predisposing syndrome. Last evaluated: 2024-01-05. Review status: criteria provided, single submitter. Criteria: Ambry Variant Classification Scheme 2023. Collection method: clinical testing. Allele origin: germline.
Comment: The p.V254L variant (also known as c.760G>T), located in coding exon 6 of the DICER1 gene, results from a G to T substitution at nucleotide position 760. The valine at codon 254 is replaced by leucine, an amino acid with highly similar properties. This amino acid position is highly conserved in available vertebrate species. In addition, the in silico prediction for this alteration is inconclusive. Since supporting evidence is limited at this time, the clinical significance of this alteration remains unclear.

NM_177438.3(DICER1):c.760G>T (p.Val254Leu)

Gene: DICER1 (dicer 1, ribonuclease III; minus strand). Cytogenetic location: 14q32.13.
Variant type: single nucleotide variant.
Coding change: c.760G>T on transcript NM_177438.3 (MANE Select); coding-DNA position 760, G replaced by T.
Protein change: p.Val254Leu; replaces valine 254 with leucine.
Molecular consequence: missense variant. On other transcripts: 5 prime UTR variant (1), non-coding transcript variant (6).
Genome position (GRCh38, 1-based): chr14:95,126,723, C>A on the plus strand (G>T on the coding strand, the complement: DICER1 is on the minus strand). VCF-style: chr14-95126723-C-A. GRCh37 (hg19) VCF-style: chr14-95593060-C-A.
Other names: c.760G>T, p.Val254Leu (NM_001395681.1, NM_001395682.1, NM_001395683.1 and 15 more transcripts); c.478G>T, p.Val160Leu (NM_001395686.1); c.355G>T, p.Val119Leu (NM_001395687.1, NM_001395688.1, NM_001395689.1 and 3 more transcripts); c.193G>T, p.Val65Leu (NM_001395691.1); c.-809G>T (NM_001395697.1); short protein forms V254L, V119L, V160L, V65L.
Identifiers: ClinVar variation 1759790 (VCV001759790.2), dbSNP rs1595448254, ClinGen allele CA390887887.